The following is an entry in ClinVar:

ClinVar aggregate classification (germline): Uncertain significance. Review status: criteria provided, multiple submitters, no conflicts (2 of 4 stars). 2 submissions from 2 submitters: Uncertain significance (2). Last evaluated 2024-10-29.

Conditions:
Hereditary cancer-predisposing syndrome. Also called: Tumor predisposition; Hereditary neoplastic syndrome; Neoplastic Syndromes, Hereditary; Hereditary Cancer Syndrome. Identifiers: Orphanet 140162, MedGen C0027672, MeSH D009386, MONDO:0015356.

Submissions (2):

Ambry Genetics
Classification: Uncertain significance for Hereditary cancer-predisposing syndrome. Last evaluated: 2024-10-29. Review status: criteria provided, single submitter. Criteria: Ambry Variant Classification Scheme 2023. Collection method: clinical testing. Allele origin: germline.
Comment: The p.P571L variant (also known as c.1712C>T), located in coding exon 11 of the RAD50 gene, results from a C to T substitution at nucleotide position 1712. The proline at codon 571 is replaced by leucine, an amino acid with similar properties. This amino acid position is highly conserved in available vertebrate species. In addition, the in silico prediction for this alteration is inconclusive. Based on the available evidence, the clinical significance of this variant remains unclear.

Labcorp Genetics (formerly Invitae), Labcorp
Classification: Uncertain significance for Hereditary cancer-predisposing syndrome. Last evaluated: 2021-09-07. Review status: criteria provided, single submitter. Criteria: Invitae Variant Classification Sherloc (09022015). Collection method: clinical testing. Allele origin: germline.
Comment: In summary, the available evidence is currently insufficient to determine the role of this variant in disease. Therefore, it has been classified as a Variant of Uncertain Significance. Algorithms developed to predict the effect of missense changes on protein structure and function are either unavailable or do not agree on the potential impact of this missense change (SIFT: "Tolerated"; PolyPhen-2: "Probably Damaging"; Align-GVGD: "Class C0"). This variant has not been reported in the literature in individuals affected with RAD50-related conditions. This variant is not present in population databases (ExAC no frequency). This sequence change replaces proline with leucine at codon 571 of the RAD50 protein (p.Pro571Leu). The proline residue is moderately conserved and there is a moderate physicochemical difference between proline and leucine.

NM_005732.4(RAD50):c.1712C>T (p.Pro571Leu)

Gene: RAD50 (RAD50 double strand break repair protein; plus strand). Cytogenetic location: 5q31.1.
Variant type: single nucleotide variant.
Coding change: c.1712C>T on transcript NM_005732.4 (MANE Select); coding-DNA position 1712, C replaced by T.
Protein change: p.Pro571Leu; replaces proline 571 with leucine.
Molecular consequence: missense variant.
Genome position (GRCh38, 1-based): chr5:132,591,953, C>T. VCF-style: chr5-132591953-C-T. GRCh37 (hg19) VCF-style: chr5-131927645-C-T.
Other names: c.1712C>T (NM_005732.3); short protein forms P571L.
Identifiers: ClinVar variation 1495665 (VCV001495665.7), dbSNP rs1561641075, ClinGen allele CA360946487.